The following is an entry in ClinVar:

NM_001165963.4(SCN1A):c.2048C>A (p.Thr683Lys)

Gene: SCN1A (sodium voltage-gated channel alpha subunit 1; minus strand). Cytogenetic location: 2q24.3.
Variant type: single nucleotide variant.
Coding change: c.2048C>A on transcript NM_001165963.4 (MANE Select); coding-DNA position 2048, C replaced by A.
Protein change: p.Thr683Lys; replaces threonine 683 with lysine.
Molecular consequence: missense variant. On other transcripts: 5 prime UTR variant (1), non-coding transcript variant (1).
Genome position (GRCh38, 1-based): chr2:166,042,420, G>T on the plus strand (C>A on the coding strand, the complement: SCN1A is on the minus strand). VCF-style: chr2-166042420-G-T. GRCh37 (hg19) VCF-style: chr2-166898930-G-T.
Other names: c.2048C>A (NM_001165963.1); c.1964C>A, p.Thr655Lys (NM_001165964.3, NM_001353957.2, NM_001353958.2); c.2048C>A, p.Thr683Lys (NM_001202435.3, NM_001353948.2); c.2015C>A, p.Thr672Lys (NM_001353949.2, NM_001353950.2, NM_001353951.2 and 2 more transcripts); c.2012C>A, p.Thr671Lys (NM_001353954.2, NM_001353955.2); c.1961C>A, p.Thr654Lys (NM_001353960.2); c.-411C>A (NM_001353961.2); short protein forms T654K, T655K, T671K, T672K, T683K.
Identifiers: ClinVar variation 2431708 (VCV002431708.4), dbSNP rs2468142098, ClinGen allele CA349066181.

ClinVar aggregate classification (germline): Uncertain significance. Review status: criteria provided, multiple submitters, no conflicts (2 of 4 stars). 3 submissions from 3 submitters: Uncertain significance (2). 1 of the submissions does not count toward it. Last evaluated 2026-03-04.

Conditions:
Generalized epilepsy with febrile seizures plus, type 2 (GEFSP2). Also called: GEFS+, TYPE 2. Identifiers: Orphanet 36387, MedGen C1858673, MONDO:0011461, OMIM 604403.
Severe myoclonic epilepsy in infancy (DRVT). Also called: Dravet syndrome; SEVERE MYOCLONIC EPILEPSY OF INFANCY; DEVELOPMENTAL AND EPILEPTIC ENCEPHALOPATHY 6A; Severe Myoclonic Epilepsy in Infancy (SMEI); Epileptic encephalopathy, early infantile, 6 (Dravet syndrome). Identifiers: Orphanet 33069, MedGen C0751122, MONDO:0100135, OMIM 607208.

Submissions (3):

GeneDx
Classification: Uncertain significance. Last evaluated: 2026-03-04. Review status: criteria provided, single submitter. Criteria: GeneDx Variant Classification Process June 2021. Collection method: clinical testing. Allele origin: germline.
Comment: Not observed at significant frequency in large population cohorts (gnomAD); In silico analysis supports that this missense variant has a deleterious effect on protein structure/function; Has not been previously published as pathogenic or benign to our knowledge; This substitution is predicted to be within the cytoplasmic loop between the first and second homologous domains

Laboratorio de Genetica e Diagnostico Molecular, Hospital Israelita Albert Einstein
Classification: Uncertain significance for Severe myoclonic epilepsy in infancy. Last evaluated: 2023-01-06. Review status: criteria provided, single submitter. Criteria: ACMG Guidelines, 2015. Collection method: clinical testing. Allele origin: germline. Affected: yes. Observed: 1 variant allele.
Comment: ACMG classification criteria: PM2 moderated, PP2 supporting

Payam Genetics Center, General Welfare Department of North Khorasan Province
Classification: Pathogenic for Generalized epilepsy with febrile seizures plus, type 2. Last evaluated: 2023-03-01. Review status: no assertion criteria provided. Collection method: clinical testing. Allele origin: germline. Affected: yes. Observed: 1 variant allele. Not counted in ClinVar's aggregate classification.
Comment: The SCN1A c.2048C>A (p.Thr683Lys) is a missense mutation and results at the protein level is a dysfunctional that predicted lead to disease. This variant is not present in Iranian population databases. This variant as Uncertain significance according to the AMCG classification. This mutation has not been reported for its pathogenicity.